The following is an entry in ClinVar:

NM_152703.5(SAMD9L):c.2461G>A (p.Val821Ile)

Gene: SAMD9L (sterile alpha motif domain containing 9 like; minus strand). Cytogenetic location: 7q21.2.
Variant type: single nucleotide variant.
Coding change: c.2461G>A on transcript NM_152703.5 (MANE Select); coding-DNA position 2461, G replaced by A.
Protein change: p.Val821Ile; replaces valine 821 with isoleucine.
Molecular consequence: missense variant.
Genome position (GRCh38, 1-based): chr7:93,133,511, C>T on the plus strand (G>A on the coding strand, the complement: SAMD9L is on the minus strand). VCF-style: chr7-93133511-C-T. GRCh37 (hg19) VCF-style: chr7-92762824-C-T.
Other names: c.2461G>A, p.Val821Ile (NM_001303496.3, NM_001303497.3, NM_001303498.3 and 5 more transcripts); c.2461G>A (NM_152703.2, NM_152703.3); short protein forms V821I.
Identifiers: ClinVar variation 1373286 (VCV001373286.12), dbSNP rs375447430, ClinGen allele CA4343585.

ClinVar aggregate classification (germline): Conflicting classifications of pathogenicity. Review status: criteria provided, conflicting classifications (1 of 4 stars). 4 submissions from 4 submitters: Uncertain significance (2); Likely benign (1). 1 of the submissions does not count toward it. Last evaluated 2025-12-22.

Conditions:
Inborn genetic diseases. Identifiers: MedGen C0950123, MeSH D030342.
SAMD9L-related disorder. Also called: SAMD9L-related disorders; SAMD9L-related condition.

Allele frequency attached by ClinVar (database versions not stated): gnomAD exomes 0.00005; ESP Exome Variant Server 0.00008; gnomAD 0.00008 and 0.00011; TOPMed 0.00012; 1000 Genomes Project 30x 0.00016; 1000 Genomes Project 0.00020.
gnomAD v4.1: 92 of 1,613,000 alleles (0.0057%); highest among the groups gnomAD compares: South Asian, 0.025%; no homozygotes.

Submissions (4):

Labcorp Genetics (formerly Invitae), Labcorp
Classification: Uncertain significance. Last evaluated: 2025-12-22. Review status: criteria provided, single submitter. Criteria: Invitae Variant Classification Sherloc (09022015). Collection method: clinical testing. Allele origin: germline.
Comment: This sequence change replaces valine, which is neutral and non-polar, with isoleucine, which is neutral and non-polar, at codon 821 of the SAMD9L protein (p.Val821Ile). This variant is present in population databases (rs375447430, gnomAD 0.02%). This variant has not been reported in the literature in individuals affected with SAMD9L-related conditions. ClinVar contains an entry for this variant (Variation ID: 1373286). Invitae Evidence Modeling of protein sequence and biophysical properties (such as structural, functional, and spatial information, amino acid conservation, physicochemical variation, residue mobility, and thermodynamic stability) indicates that this missense variant is not expected to disrupt SAMD9L protein function with a negative predictive value of 80%. In summary, the available evidence is currently insufficient to determine the role of this variant in disease. Therefore, it has been classified as a Variant of Uncertain Significance.

GeneDx
Classification: Uncertain significance. Last evaluated: 2025-04-17. Review status: criteria provided, single submitter. Criteria: GeneDx Variant Classification Process June 2021. Collection method: clinical testing. Allele origin: germline.
Comment: In silico analysis indicates that this missense variant does not alter protein structure/function; Has not been previously published as pathogenic or benign to our knowledge; This variant is associated with the following publications: (PMID: 28545555)

Ambry Genetics
Classification: Likely benign for Inborn genetic diseases. Last evaluated: 2024-11-20. Review status: criteria provided, single submitter. Criteria: Ambry Variant Classification Scheme 2023. Collection method: clinical testing. Allele origin: germline.

PreventionGenetics, part of Exact Sciences
Classification: Uncertain significance for SAMD9L-related condition. Last evaluated: 2024-03-23. Review status: no assertion criteria provided. Collection method: clinical testing. Allele origin: germline. Not counted in ClinVar's aggregate classification.
Comment: The SAMD9L c.2461G>A variant is predicted to result in the amino acid substitution p.Val821Ile. To our knowledge, this variant has not been reported in the literature. This variant is reported in 0.020% of alleles in individuals of South Asian descent in gnomAD, which may be too common to be disease-causing. In ClinVar, this variant has conflicting interpretations of pathogenicity, ranging from likely benign to uncertain. Although we suspect this variant may be benign, at this time, the clinical significance of this variant is uncertain due to the absence of conclusive functional and genetic evidence.